The following is an entry in ClinVar:

NM_001849.4(COL6A2):c.1118G>C (p.Gly373Ala)

Gene: COL6A2 (collagen type VI alpha 2 chain; plus strand). Cytogenetic location: 21q22.3.
Variant type: single nucleotide variant.
Coding change: c.1118G>C on transcript NM_001849.4 (MANE Select); coding-DNA position 1118, G replaced by C.
Protein change: p.Gly373Ala; replaces glycine 373 with alanine.
Molecular consequence: missense variant.
Genome position (GRCh38, 1-based): chr21:46,118,615, G>C. VCF-style: chr21-46118615-G-C. GRCh37 (hg19) VCF-style: chr21-47538529-G-C.
Other names: c.1118G>C, p.Gly373Ala (NM_058174.3, NM_058175.3); short protein forms G373A.
Identifiers: ClinVar variation 642365 (VCV000642365.10), dbSNP rs773528946, ClinGen allele CA10071709.

ClinVar aggregate classification (germline): Uncertain significance. Review status: criteria provided, multiple submitters, no conflicts (2 of 4 stars). 2 submissions from 2 submitters: Uncertain significance (2). Last evaluated 2025-12-15.

Conditions:
Inborn genetic diseases. Identifiers: MedGen C0950123, MeSH D030342.
Bethlem myopathy 1A. Also called: Bethlem Muscular Dystrophy; Bethlem myopathy 1; MYOPATHY, BENIGN CONGENITAL, WITH CONTRACTURES. Identifiers: Orphanet 610, MedGen CN029274, MONDO:0024530, OMIM 158810.

Allele frequency attached by ClinVar (database versions not stated): TOPMed below 0.00001; ExAC 0.00001; gnomAD exomes 0.00002.
gnomAD v4.1: 42 of 1,612,514 alleles (0.0026%); highest among the groups gnomAD compares: Middle Eastern, 0.017%; no homozygotes.

Submissions (2):

Labcorp Genetics (formerly Invitae), Labcorp
Classification: Uncertain significance for Bethlem myopathy 1A. Last evaluated: 2025-12-15. Review status: criteria provided, single submitter. Criteria: Invitae Variant Classification Sherloc (09022015). Collection method: clinical testing. Allele origin: germline.
Comment: This sequence change replaces glycine, which is neutral and non-polar, with alanine, which is neutral and non-polar, at codon 373 of the COL6A2 protein (p.Gly373Ala). This variant is present in population databases (rs773528946, gnomAD 0.005%). This variant has not been reported in the literature in individuals affected with COL6A2-related conditions. ClinVar contains an entry for this variant (Variation ID: 642365). An algorithm developed to predict the effect of missense changes on protein structure and function (PolyPhen-2) suggests that this variant is likely to be disruptive. In summary, the available evidence is currently insufficient to determine the role of this variant in disease. Therefore, it has been classified as a Variant of Uncertain Significance.

Ambry Genetics
Classification: Uncertain significance for Inborn genetic diseases. Last evaluated: 2021-11-15. Review status: criteria provided, single submitter. Criteria: Ambry Variant Classification Scheme 2023. Collection method: clinical testing. Allele origin: germline.